The following is an entry in ClinVar:

NM_001110556.2(FLNA):c.1019G>T (p.Arg340Leu)

Gene: FLNA (filamin A; minus strand). Cytogenetic location: Xq28.
Variant type: single nucleotide variant.
Coding change: c.1019G>T on transcript NM_001110556.2 (MANE Select); coding-DNA position 1019, G replaced by T.
Protein change: p.Arg340Leu; replaces arginine 340 with leucine.
Molecular consequence: missense variant.
Genome position (GRCh38, 1-based): chrX:154,366,608, C>A on the plus strand (G>T on the coding strand, the complement: FLNA is on the minus strand). VCF-style: chrX-154366608-C-A. GRCh37 (hg19) VCF-style: chrX-153594976-C-A.
Other names: c.1019G>T, p.Arg340Leu (NM_001456.4); short protein forms R340L.
Identifiers: ClinVar variation 2501863 (VCV002501863.2), dbSNP rs371368679, ClinGen allele CA10561296.

ClinVar aggregate classification (germline): Uncertain significance. Review status: criteria provided, multiple submitters, no conflicts (2 of 4 stars). 2 submissions from 2 submitters: Uncertain significance (2). Last evaluated 2025-02-16.

Conditions:
Heterotopia, periventricular, X-linked dominant (PVNH1). Also called: PERIVENTRICULAR NODULAR HETEROTOPIA 1; PERIVENTRICULAR NODULAR HETEROTOPIA 4; HETEROTOPIA, PERIVENTRICULAR, 1; X-linked periventricular heterotopia. Identifiers: Orphanet 2149, Orphanet 82004, MedGen C1848213, MONDO:0010233, OMIM 300049.
Melnick-Needles syndrome (MNS). Also called: MELNICK-NEEDLES OSTEODYSPLASTY; OSTEODYSPLASTY OF MELNICK AND NEEDLES; Melnick-Needles Syndrome (FLNA-MNS). Identifiers: Orphanet 2484, MedGen C0025237, MONDO:0010650, OMIM 309350.
Oto-palato-digital syndrome, type II (OPD2). Also called: FACIOPALATOOSSEOUS SYNDROME; OPD II SYNDROME; Otopalatodigital Syndrome Type 2 (FLNA-OPD2); Otopalatodigital Syndrome, Type II. Identifiers: Orphanet 669, Orphanet 90652, MedGen C1844696, MONDO:0010571, OMIM 304120.
Frontometaphyseal dysplasia (FMD1). Identifiers: Orphanet 1826, MedGen C0265293, MONDO:0015942.

Allele frequency attached by ClinVar (database versions not stated): ESP Exome Variant Server 0.00010.
gnomAD v4.1: 7 of 1,210,570 alleles (0.00058%); highest among the groups gnomAD compares: Middle Eastern, 0.023%; no homozygotes.

Submissions (2):

Labcorp Genetics (formerly Invitae), Labcorp
Classification: Uncertain significance for Oto-palato-digital syndrome, type II; Heterotopia, periventricular, X-linked dominant; Frontometaphyseal dysplasia; Melnick-Needles syndrome. Last evaluated: 2025-02-16. Review status: criteria provided, single submitter. Criteria: Invitae Variant Classification Sherloc (09022015). Collection method: clinical testing. Allele origin: germline.
Comment: This sequence change replaces arginine, which is basic and polar, with leucine, which is neutral and non-polar, at codon 340 of the FLNA protein (p.Arg340Leu). This variant is present in population databases (rs371368679, gnomAD 0.01%). This variant has not been reported in the literature in individuals affected with FLNA-related conditions. ClinVar contains an entry for this variant (Variation ID: 2501863). Invitae Evidence Modeling of protein sequence and biophysical properties (such as structural, functional, and spatial information, amino acid conservation, physicochemical variation, residue mobility, and thermodynamic stability) indicates that this missense variant is not expected to disrupt FLNA protein function with a negative predictive value of 95%. In summary, the available evidence is currently insufficient to determine the role of this variant in disease. Therefore, it has been classified as a Variant of Uncertain Significance.

GeneDx
Classification: Uncertain significance. Last evaluated: 2022-11-14. Review status: criteria provided, single submitter. Criteria: GeneDx Variant Classification Process June 2021. Collection method: clinical testing. Allele origin: germline. Affected: yes.
Comment: Not observed at significant frequency in large population cohorts (gnomAD); In silico analysis supports that this missense variant has a deleterious effect on protein structure/function; Has not been previously published as pathogenic or benign to our knowledge